The following is an entry in ClinVar:

NM_012186.3(FOXE3):c.491G>C (p.Arg164Pro)

Genes: FOXE3 (forkhead box E3; plus strand), LINC01389 (long independently transcribed non-coding RNA 1389; minus strand). Cytogenetic location: 1p33.
Variant type: single nucleotide variant.
Coding change: c.491G>C on transcript NM_012186.3 (MANE Select); coding-DNA position 491, G replaced by C.
Protein change: p.Arg164Pro; replaces arginine 164 with proline.
Molecular consequence: missense variant.
Genome position (GRCh38, 1-based): chr1:47,416,806, G>C. VCF-style: chr1-47416806-G-C. GRCh37 (hg19) VCF-style: chr1-47882478-G-C.
Other names: c.491G>C (NM_012186.2); short protein forms R164P.
Identifiers: ClinVar variation 1926067 (VCV001926067.7), dbSNP rs778795099, ClinGen allele CA842980.

ClinVar aggregate classification (germline): Uncertain significance. Review status: criteria provided, multiple submitters, no conflicts (2 of 4 stars). 2 submissions from 2 submitters: Uncertain significance (2). Last evaluated 2025-09-29.

Conditions:
Cardiovascular phenotype. Identifiers: MedGen CN230736.
Congenital primary aphakia. Also called: Anterior segment dysgenesis 2, multiple subtypes; ANTERIOR SEGMENT DYSGENESIS 2. Identifiers: Orphanet 83461, MedGen C1853230, MONDO:0012456, OMIM 610256.
Anterior segment dysgenesis. Also called: Ocular anterior segment dysgenesis. Identifiers: Orphanet 88632, MedGen C1862839, MONDO:0019503, HP:0007700.

Allele frequency attached by ClinVar (database versions not stated): TOPMed below 0.00001; ExAC 0.00001.
gnomAD v4.1: 10 of 1,585,134 alleles (0.00063%); highest among the groups gnomAD compares: Non-Finnish European, 0.00086%; no homozygotes.

Submissions (2):

Labcorp Genetics (formerly Invitae), Labcorp
Classification: Uncertain significance for Anterior segment dysgenesis; Congenital primary aphakia. Last evaluated: 2025-09-29. Review status: criteria provided, single submitter. Criteria: Invitae Variant Classification Sherloc (09022015). Collection method: clinical testing. Allele origin: germline.
Comment: This sequence change replaces arginine, which is basic and polar, with proline, which is neutral and non-polar, at codon 164 of the FOXE3 protein (p.Arg164Pro). This variant is present in population databases (rs778795099, gnomAD 0.002%). This variant has not been reported in the literature in individuals affected with FOXE3-related conditions. ClinVar contains an entry for this variant (Variation ID: 1926067). Invitae Evidence Modeling of protein sequence and biophysical properties (such as structural, functional, and spatial information, amino acid conservation, physicochemical variation, residue mobility, and thermodynamic stability) has been performed for this missense variant. However, the output from this modeling did not meet the statistical confidence thresholds required to predict the impact of this variant on FOXE3 protein function. In summary, the available evidence is currently insufficient to determine the role of this variant in disease. Therefore, it has been classified as a Variant of Uncertain Significance.

Ambry Genetics
Classification: Uncertain significance for Cardiovascular phenotype. Last evaluated: 2025-05-03. Review status: criteria provided, single submitter. Criteria: Ambry Variant Classification Scheme 2023. Collection method: clinical testing. Allele origin: germline.